The following is an entry in ClinVar:

ClinVar aggregate classification (germline): Likely pathogenic (1 of 4 stars; one submission).

Conditions:
Hypoplastic left heart syndrome. Also called: Hypoplastic left ventricle; Hypoplastic left heart. Identifiers: Orphanet 2248, MedGen C0152101, MONDO:0004933, HP:0004383.

Submission:

Greenwood Genetic Center Diagnostic Laboratories, Greenwood Genetic Center
Classification: Likely pathogenic for Hypoplastic left heart syndrome. Last evaluated: 2023-11-06. Review status: criteria provided, single submitter. Criteria: ACMG Guidelines, 2015. Collection method: clinical testing. Allele origin: germline. Affected: yes.
Comment: PS2, PM2, PP3

NM_002471.4(MYH6):c.1223G>A (p.Gly408Asp)

Gene: MYH6 (myosin heavy chain 6; minus strand). Cytogenetic location: 14q11.2.
Variant type: single nucleotide variant.
Coding change: c.1223G>A on transcript NM_002471.4 (MANE Select); coding-DNA position 1223, G replaced by A.
Protein change: p.Gly408Asp; replaces glycine 408 with aspartic acid.
Molecular consequence: missense variant.
Genome position (GRCh38, 1-based): chr14:23,400,896, C>T on the plus strand (G>A on the coding strand, the complement: MYH6 is on the minus strand). VCF-style: chr14-23400896-C-T. GRCh37 (hg19) VCF-style: chr14-23870105-C-T.
Other names: short protein forms G408D.
Identifiers: ClinVar variation 2692441 (VCV002692441.1), dbSNP rs2502193523, ClinGen allele CA389024224.
Genomic context (GRCh38, chr14:23,400,896, plus strand): 5'-AGAGCCCCGATGGAGTAGTACACCTGCTGCACGCTCTGCCCCTTGGTGACATACTCGTTG[C>T]CCACTTTCACCCGAGGGTGGCACAGCCCCTTGAGCAGGTCAGCTGAGTTCAGCCCCATGA-3'
Protein context (NP_002462.2, residues 398-418): KGLCHPRVKV[Gly408Asp]NEYVTKGQSV